The following is an entry in ClinVar:

ClinVar aggregate classification (germline): Benign. Review status: criteria provided, multiple submitters, no conflicts (2 of 4 stars). 2 submissions from 2 submitters: Benign (2). Last evaluated 2018-06-14.

Allele frequency attached by ClinVar (database versions not stated): gnomAD exomes 0.74577; 1000 Genomes Project 0.75000; 1000 Genomes Project 30x 0.75312; gnomAD 0.76891 and 0.77234; TOPMed 0.77507.
gnomAD v4.1: 863,341 of 1,152,862 alleles (75%); highest among the groups gnomAD compares: African/African-American, 83%; 324,421 homozygotes.

Submissions (2):

GeneDx
Classification: Benign. Last evaluated: 2018-06-14. Review status: criteria provided, single submitter. Criteria: GeneDx Variant Classification (06012015). Collection method: clinical testing. Allele origin: germline. Affected: yes.
Comment: This variant is considered likely benign or benign based on one or more of the following criteria: it is a conservative change, it occurs at a poorly conserved position in the protein, it is predicted to be benign by multiple in silico algorithms, and/or has population frequency not consistent with disease.

Breakthrough Genomics
Classification: Benign. Review status: criteria provided, single submitter. Criteria: ACMG Guidelines, 2015. Collection method: not provided. Allele origin: germline. Inheritance: Autosomal recessive inheritance. Affected: yes.

NM_000048.4(ASL):c.602+123T>C

Gene: ASL (argininosuccinate lyase; plus strand). Cytogenetic location: 7q11.21.
Variant type: single nucleotide variant.
Coding change: c.602+123T>C on transcript NM_000048.4 (MANE Select); 123 bases into the intron after coding-DNA position 602, T replaced by C.
Molecular consequence: intron variant.
Genome position (GRCh38, 1-based): chr7:66,086,944, T>C. VCF-style: chr7-66086944-T-C. GRCh37 (hg19) VCF-style: chr7-65551931-T-C.
Other names: c.602+123T>C (NM_001024943.2, NM_001024944.2); c.524+282T>C (NM_001024946.2).
Identifiers: ClinVar variation 676097 (VCV000676097.2), dbSNP rs313830, ClinGen allele CA12509725.